The following is an entry in ClinVar:

ClinVar aggregate classification (germline): Uncertain significance (1 of 4 stars; one submission).

Allele frequency attached by ClinVar (database versions not stated): TOPMed 0.00001; gnomAD 0.00003.
gnomAD v4.1: 58 of 1,210,506 alleles (0.0048%); highest among the groups gnomAD compares: Non-Finnish European, 0.0056%; no homozygotes.

Submission:

Greenwood Genetic Center Diagnostic Laboratories, Greenwood Genetic Center
Classification: Uncertain significance. Last evaluated: 2022-05-10. Review status: criteria provided, single submitter. Criteria: ACMG Guidelines, 2015. Collection method: clinical testing. Allele origin: germline. Affected: yes.
Comment: Gene of Uncertain Significance

NM_206923.4(YY2):c.475G>A (p.Gly159Ser)

Genes: MBTPS2 (membrane bound transcription factor peptidase, site 2; plus strand), YY2 (YY2 transcription factor; plus strand). Cytogenetic location: Xp22.12.
Variant type: single nucleotide variant.
Coding change: c.475G>A on transcript NM_206923.4 (MANE Select); coding-DNA position 475, G replaced by A.
Protein change: p.Gly159Ser; replaces glycine 159 with serine.
Molecular consequence: missense variant. On other transcripts: intron variant (1).
Genome position (GRCh38, 1-based): chrX:21,856,959, G>A. VCF-style: chrX-21856959-G-A. GRCh37 (hg19) VCF-style: chrX-21875077-G-A.
Other names: c.670+3456G>A (NM_015884.4); short protein forms G159S.
Identifiers: ClinVar variation 1703053 (VCV001703053.3), dbSNP rs1374876459, ClinGen allele CA412564987.